The following is an entry in ClinVar:

ClinVar aggregate classification (germline): Uncertain significance. Review status: criteria provided, multiple submitters, no conflicts (2 of 4 stars). 4 submissions from 4 submitters: Uncertain significance (4). Last evaluated 2025-02-20.

Conditions:
Aortic aneurysm, familial thoracic 7 (AAT7). Also called: AORTIC DISSECTION, FAMILIAL, WITH OR WITHOUT AORTIC ANEURYSM. Identifiers: MedGen C3151077, MONDO:0013418, OMIM 613780.
Familial thoracic aortic aneurysm and aortic dissection (TAAD). Also called: Thoracic aortic aneurysms and dissections. Identifiers: Orphanet 91387, MedGen C4707243, MONDO:0019625.

gnomAD v4.1: 1 of 1,613,762 alleles (0.000062%); highest among the groups gnomAD compares: Non-Finnish European, 0.000085%; no homozygotes.

Submissions (4):

Labcorp Genetics (formerly Invitae), Labcorp
Classification: Uncertain significance for Aortic aneurysm, familial thoracic 7. Last evaluated: 2025-02-20. Review status: criteria provided, single submitter. Criteria: Invitae Variant Classification Sherloc (09022015). Collection method: clinical testing. Allele origin: germline.
Comment: This sequence change replaces valine, which is neutral and non-polar, with phenylalanine, which is neutral and non-polar, at codon 1155 of the MYLK protein (p.Val1155Phe). This variant is present in population databases (no rsID available, gnomAD 0.0009%). This variant has not been reported in the literature in individuals affected with MYLK-related conditions. ClinVar contains an entry for this variant (Variation ID: 1731658). Invitae Evidence Modeling of protein sequence and biophysical properties (such as structural, functional, and spatial information, amino acid conservation, physicochemical variation, residue mobility, and thermodynamic stability) indicates that this missense variant is not expected to disrupt MYLK protein function with a negative predictive value of 80%. In summary, the available evidence is currently insufficient to determine the role of this variant in disease. Therefore, it has been classified as a Variant of Uncertain Significance.

CeGaT Center for Human Genetics Tuebingen
Classification: Uncertain significance. Last evaluated: 2025-01-01. Review status: criteria provided, single submitter. Criteria: CeGaT Center For Human Genetics Tuebingen Variant Classification Criteria Version 2. Collection method: clinical testing. Allele origin: germline. Affected: yes. Observed: 1 variant allele.
Comment: MYLK: PM2, BP4

GeneDx
Classification: Uncertain significance. Last evaluated: 2024-02-05. Review status: criteria provided, single submitter. Criteria: GeneDx Variant Classification Process June 2021. Collection method: clinical testing. Allele origin: germline. Affected: yes.
Comment: Has not been previously published as pathogenic or benign to our knowledge; Not observed at significant frequency in large population cohorts (gnomAD); In silico analysis supports that this missense variant does not alter protein structure/function

Ambry Genetics
Classification: Uncertain significance for Familial thoracic aortic aneurysm and aortic dissection. Last evaluated: 2022-05-20. Review status: criteria provided, single submitter. Criteria: Ambry Variant Classification Scheme 2023. Collection method: clinical testing. Allele origin: germline.
Comment: The p.V1155F variant (also known as c.3463G>T), located in coding exon 16 of the MYLK gene, results from a G to T substitution at nucleotide position 3463. The valine at codon 1155 is replaced by phenylalanine, an amino acid with highly similar properties. This amino acid position is conserved. In addition, this alteration is predicted to be tolerated by in silico analysis. Since supporting evidence is limited at this time, the clinical significance of this alteration remains unclear.

NM_053025.4(MYLK):c.3463G>T (p.Val1155Phe)

Gene: MYLK (myosin light chain kinase; minus strand). Cytogenetic location: 3q21.1.
Variant type: single nucleotide variant.
Coding change: c.3463G>T on transcript NM_053025.4 (MANE Select); coding-DNA position 3463, G replaced by T.
Protein change: p.Val1155Phe; replaces valine 1155 with phenylalanine.
Molecular consequence: missense variant.
Genome position (GRCh38, 1-based): chr3:123,692,837, C>A on the plus strand (G>T on the coding strand, the complement: MYLK is on the minus strand). VCF-style: chr3-123692837-C-A. GRCh37 (hg19) VCF-style: chr3-123411684-C-A.
Other names: c.2935G>T, p.Val979Phe (NM_001321309.2); c.3256G>T, p.Val1086Phe (NM_053026.4, NM_053028.4); c.3463G>T, p.Val1155Phe (NM_053027.4); short protein forms V1086F, V979F, V1155F.
Identifiers: ClinVar variation 1731658 (VCV001731658.17), dbSNP rs201251944, ClinGen allele CA354235016.